The following is an entry in ClinVar:

NM_000138.5(FBN1):c.2728+6del

Gene: FBN1 (fibrillin 1; minus strand). Cytogenetic location: 15q21.1.
Variant type: Deletion.
Coding change: c.2728+6del on transcript NM_000138.5 (MANE Select); 6 bases into the intron after coding-DNA position 2728, one base deleted (T; older notation c.2728+6delT).
Molecular consequence: intron variant.
Genome position (GRCh38, 1-based): chr15:48,494,198, A deleted on the plus strand (T on the coding strand, the reverse complement: FBN1 is on the minus strand); the first of 3 consecutive A bases (chr15:48,494,198-48,494,200); deleting any one gives the same sequence. VCF-style (leftmost placement, unchanged base first): chr15-48494197-GA-G. GRCh37 (hg19) VCF-style: chr15-48786394-GA-G.
Other names: c.2728+6del (NM_001406716.1).
Identifiers: ClinVar variation 3386834 (VCV003386834.1).

ClinVar aggregate classification (germline): Uncertain significance (1 of 4 stars; one submission).

Conditions:
Marfan syndrome (MFS). Also called: MARFAN SYNDROME, TYPE I; Marfan syndrome type 1; Marfan's syndrome; FBN1-Related Marfan Syndrome; Marfan syndrome, classic. Identifiers: Orphanet 284963, Orphanet 558, MedGen C0024796, MONDO:0007947, OMIM 154700.

Submission:

All of Us Research Program, National Institutes of Health
Classification: Uncertain significance for Marfan syndrome. Last evaluated: 2024-07-20. Review status: criteria provided, single submitter. Criteria: ACMG Guidelines, 2015. Collection method: clinical testing. Allele origin: germline. Inheritance: Autosomal dominant inheritance. Observed: 1 variant allele, 1 heterozygote.
Comment: This variant deletes one nucleotide in the intron 23 splice donor site of the FBN1 gene. To our knowledge, functional studies have not been reported for this variant. This variant has not been reported in individuals affected with FBN1-related disorders in the literature. This variant has not been identified in the general population by the Genome Aggregation Database (gnomAD). The available evidence is insufficient to determine the role of this variant in disease conclusively. Therefore, this variant is classified as a Variant of Uncertain Significance.

This study involves interpretation of variants in research participants for the purpose of population health screening. Participant phenotype was not available at the time of variant classification. Additional details can be found in publication PMID: 35346344, PMCID: PMC8962531